The following is an entry in ClinVar:

NM_006567.5(FARS2):c.904G>T (p.Ala302Ser)

Gene: FARS2 (phenylalanyl-tRNA synthetase 2, mitochondrial; plus strand). Cytogenetic location: 6p25.1.
Variant type: single nucleotide variant.
Coding change: c.904G>T on transcript NM_006567.5 (MANE Select); coding-DNA position 904, G replaced by T.
Protein change: p.Ala302Ser; replaces alanine 302 with serine.
Molecular consequence: missense variant. On other transcripts: intron variant (1).
Genome position (GRCh38, 1-based): chr6:5,431,172, G>T. VCF-style: chr6-5431172-G-T. GRCh37 (hg19) VCF-style: chr6-5431405-G-T.
Other names: c.904G>T, p.Ala302Ser (NM_001318872.2, NM_001374875.1, NM_001374876.1 and 4 more transcripts); c.208G>T, p.Ala70Ser (NM_001375259.1, NM_001375260.1); c.772+26471G>T (NM_001375258.1); short protein forms A302S, A70S.
Identifiers: ClinVar variation 214332 (VCV000214332.8), dbSNP rs375858088, ClinGen allele CA324635.

ClinVar aggregate classification (germline): Uncertain significance (1 of 4 stars; one submission).

Conditions:
Combined oxidative phosphorylation defect type 14. Also called: Combined oxidative phosphorylation deficiency 14. Identifiers: Orphanet 319519, MedGen C4755312, MONDO:0013986, OMIM 614946.

Allele frequency attached by ClinVar (database versions not stated): gnomAD exomes 0.00001 and 0.00003; ExAC 0.00002; TOPMed 0.00002; gnomAD 0.00003 and 0.00004; ESP Exome Variant Server 0.00008.
gnomAD v4.1: 54 of 1,613,154 alleles (0.0033%); highest among the groups gnomAD compares: Non-Finnish European, 0.0045%; no homozygotes.

Submission:

Labcorp Genetics (formerly Invitae), Labcorp
Classification: Uncertain significance for Combined oxidative phosphorylation defect type 14. Last evaluated: 2026-01-26. Review status: criteria provided, single submitter. Criteria: Invitae Variant Classification Sherloc (09022015). Collection method: clinical testing. Allele origin: germline.
Comment: This sequence change replaces alanine, which is neutral and non-polar, with serine, which is neutral and polar, at codon 302 of the FARS2 protein (p.Ala302Ser). This variant also falls at the last nucleotide of exon 4, which is part of the consensus splice site for this exon. This variant is present in population databases (rs375858088, gnomAD 0.002%). This variant has not been reported in the literature in individuals affected with FARS2-related conditions. ClinVar contains an entry for this variant (Variation ID: 214332). Invitae Evidence Modeling of protein sequence and biophysical properties (such as structural, functional, and spatial information, amino acid conservation, physicochemical variation, residue mobility, and thermodynamic stability) indicates that this missense variant is not expected to disrupt FARS2 protein function with a negative predictive value of 80%. Variants that disrupt the consensus splice site are a relatively common cause of aberrant splicing (PMID: 17576681, 9536098). Algorithms developed to predict the effect of sequence changes on RNA splicing suggest that this variant may disrupt the consensus splice site. In summary, the available evidence is currently insufficient to determine the role of this variant in disease. Therefore, it has been classified as a Variant of Uncertain Significance.

Literature cited by the submitters: PubMed 17576681; PubMed 9536098.